The following is an entry in ClinVar:

ClinVar aggregate classification (germline): Uncertain significance. Review status: criteria provided, single submitter (1 of 4 stars). 2 submissions from 2 submitters: Uncertain significance (1). 1 of the submissions does not count toward it. Last evaluated 2025-05-18.

Conditions:
MYOF-related disorder. Also called: MYOF-related condition.

Allele frequency attached by ClinVar (database versions not stated): ExAC 0.00011; gnomAD exomes 0.00012; gnomAD 0.00044; TOPMed 0.00056; 1000 Genomes Project 0.00040; ESP Exome Variant Server 0.00049; 1000 Genomes Project 30x 0.00062.
gnomAD v4.1: 254 of 1,613,228 alleles (0.016%); highest among the groups gnomAD compares: African/African-American, 0.12%; no homozygotes.

Submissions (2):

Ambry Genetics
Classification: Uncertain significance. Last evaluated: 2025-05-18. Review status: criteria provided, single submitter. Criteria: Ambry Variant Classification Scheme 2023. Collection method: clinical testing. Allele origin: germline.

PreventionGenetics, part of Exact Sciences
Classification: Uncertain significance for MYOF-related condition. Last evaluated: 2024-07-03. Review status: no assertion criteria provided. Collection method: clinical testing. Allele origin: germline. Not counted in ClinVar's aggregate classification.
Comment: The MYOF c.5719C>T variant is predicted to result in the amino acid substitution p.Arg1907Cys. To our knowledge, this variant has not been reported in the literature. This variant is reported in 0.11% of alleles in individuals of African descent in gnomAD, which may be too common to be causative. Although we suspect that this variant may be benign, at this time, the clinical significance of this variant is uncertain due to the absence of conclusive functional and genetic evidence.

NM_013451.4(MYOF):c.5719C>T (p.Arg1907Cys)

Gene: MYOF (myoferlin; minus strand). Cytogenetic location: 10q23.33.
Variant type: single nucleotide variant.
Coding change: c.5719C>T on transcript NM_013451.4 (MANE Select); coding-DNA position 5719, C replaced by T.
Protein change: p.Arg1907Cys; replaces arginine 1907 with cysteine.
Molecular consequence: missense variant.
Genome position (GRCh38, 1-based): chr10:93,313,190, G>A on the plus strand (C>T on the coding strand, the complement: MYOF is on the minus strand). VCF-style: chr10-93313190-G-A. GRCh37 (hg19) VCF-style: chr10-95072947-G-A.
Other names: c.5680C>T, p.Arg1894Cys (NM_133337.3); short protein forms R1907C, R1894C.
Identifiers: ClinVar variation 3167879 (VCV003167879.3), dbSNP rs138208183, ClinGen allele CA5606591.